The following is an entry in ClinVar:

NM_000143.4(FH):c.423del (p.Trp141fs)

Gene: FH (fumarate hydratase; minus strand). Cytogenetic location: 1q43.
Variant type: Deletion.
Coding change: c.423del on transcript NM_000143.4 (MANE Select); coding-DNA position 423, one base deleted (G; older notation c.423delG).
Protein change: p.Trp141fs; shifts the reading frame from tryptophan 141.
Molecular consequence: frameshift variant.
Genome position (GRCh38, 1-based): chr1:241,512,099, C deleted on the plus strand (G on the coding strand, the reverse complement: FH is on the minus strand); the first of 2 consecutive C bases (chr1:241,512,099-241,512,100); deleting either gives the same sequence. VCF-style (leftmost placement, unchanged base first): chr1-241512098-GC-G. GRCh37 (hg19) VCF-style: chr1-241675398-GC-G.
Other names: c.423delG (NM_000143.3); short protein forms W141fs.
Identifiers: ClinVar variation 1738977 (VCV001738977.2), dbSNP rs2527332795, ClinGen allele CA2580063452.

ClinVar aggregate classification (germline): Pathogenic (1 of 4 stars; one submission).

Conditions:
Hereditary cancer-predisposing syndrome. Also called: Hereditary Cancer Syndrome; Hereditary neoplastic syndrome; Neoplastic Syndromes, Hereditary; Tumor predisposition. Identifiers: Orphanet 140162, MedGen C0027672, MeSH D009386, MONDO:0015356.

Submission:

Ambry Genetics
Classification: Pathogenic for Hereditary cancer-predisposing syndrome. Last evaluated: 2020-07-01. Review status: criteria provided, single submitter. Criteria: Ambry Variant Classification Scheme 2023. Collection method: clinical testing. Allele origin: germline.
Comment: The c.423delG pathogenic mutation, located in coding exon 4 of the FH gene, results from a deletion of one nucleotide at nucleotide position 423, causing a translational frameshift with a predicted alternate stop codon (p.W141Cfs*11). This alteration is expected to result in loss of function by premature protein truncation or nonsense-mediated mRNA decay. As such, this alteration is interpreted as a disease-causing mutation.